The following is an entry in ClinVar:

ClinVar aggregate classification (germline): Uncertain significance (1 of 4 stars; one submission).

Submission:

Labcorp Genetics (formerly Invitae), Labcorp
Classification: Uncertain significance. Last evaluated: 2024-05-06. Review status: criteria provided, single submitter. Criteria: Invitae Variant Classification Sherloc (09022015). Collection method: clinical testing. Allele origin: germline.
Comment: This sequence change replaces glycine, which is neutral and non-polar, with glutamic acid, which is acidic and polar, at codon 1381 of the KMT2B protein (p.Gly1381Glu). This variant is not present in population databases (gnomAD no frequency). This variant has not been reported in the literature in individuals affected with KMT2B-related conditions. Advanced modeling of protein sequence and biophysical properties (such as structural, functional, and spatial information, amino acid conservation, physicochemical variation, residue mobility, and thermodynamic stability) performed at Invitae indicates that this missense variant is not expected to disrupt KMT2B protein function with a negative predictive value of 95%. In summary, the available evidence is currently insufficient to determine the role of this variant in disease. Therefore, it has been classified as a Variant of Uncertain Significance.

NM_014727.3(KMT2B):c.4142G>A (p.Gly1381Glu)

Gene: KMT2B (lysine methyltransferase 2B; plus strand). Cytogenetic location: 19q13.12.
Variant type: single nucleotide variant.
Coding change: c.4142G>A on transcript NM_014727.3 (MANE Select); coding-DNA position 4142, G replaced by A.
Protein change: p.Gly1381Glu; replaces glycine 1381 with glutamic acid.
Molecular consequence: missense variant.
Genome position (GRCh38, 1-based): chr19:35,727,462, G>A. VCF-style: chr19-35727462-G-A. GRCh37 (hg19) VCF-style: chr19-36218363-G-A.
Other names: short protein forms G1381E.
Identifiers: ClinVar variation 3651021 (VCV003651021.2).